The following is an entry in ClinVar:

ClinVar aggregate classification (germline): Uncertain significance (1 of 4 stars; one submission).

Allele frequency attached by ClinVar (database versions not stated): gnomAD exomes below 0.00001.
gnomAD v4.1: 1 of 1,611,294 alleles (0.000062%); highest among the groups gnomAD compares: Non-Finnish European, 0.000085%; no homozygotes.

Submissions (2):

Labcorp Genetics (formerly Invitae), Labcorp
Classification: Uncertain significance. Last evaluated: 2022-08-09. Review status: criteria provided, single submitter. Criteria: Invitae Variant Classification Sherloc (09022015). Collection method: clinical testing. Allele origin: germline.
Comment: In summary, the available evidence is currently insufficient to determine the role of this variant in disease. Therefore, it has been classified as a Variant of Uncertain Significance. Variants that disrupt the consensus splice site are a relatively common cause of aberrant splicing (PMID: 17576681, 9536098). Algorithms developed to predict the effect of missense changes on protein structure and function are either unavailable or do not agree on the potential impact of this missense change (SIFT: "Tolerated"; PolyPhen-2: "Possibly Damaging"; Align-GVGD: "Class C0"). This variant has not been reported in the literature in individuals affected with NBAS-related conditions. This variant is not present in population databases (gnomAD no frequency). This sequence change replaces glycine, which is neutral and non-polar, with serine, which is neutral and polar, at codon 1311 of the NBAS protein (p.Gly1311Ser). This variant also falls at the last nucleotide of exon 33, which is part of the consensus splice site for this exon.

Dr. Peter K. Rogan Lab, Western University
No classification provided (evidence only). Condition: Thyroid cancer, nonmedullary, 1. Review status: no classification provided. Collection method: in vitro. Allele origin: not applicable. Functional consequence: retained intron. Not counted in ClinVar's aggregate classification.

Literature cited by the submitters: PubMed 17576681 (cited by Labcorp Genetics (formerly Invitae), Labcorp); PubMed 9536098 (cited by Labcorp Genetics (formerly Invitae), Labcorp).

NM_015909.4(NBAS):c.3931G>A (p.Gly1311Ser)

Gene: NBAS (NBAS subunit of NRZ tethering complex; minus strand). Cytogenetic location: 2p24.3.
Variant type: single nucleotide variant.
Coding change: c.3931G>A on transcript NM_015909.4 (MANE Select); coding-DNA position 3931, G replaced by A.
Protein change: p.Gly1311Ser; replaces glycine 1311 with serine.
Molecular consequence: missense variant. On other transcripts: non-coding transcript variant (1).
Genome position (GRCh38, 1-based): chr2:15,356,303, C>T on the plus strand (G>A on the coding strand, the complement: NBAS is on the minus strand). VCF-style: chr2-15356303-C-T. GRCh37 (hg19) VCF-style: chr2-15496427-C-T.
Other names: short protein forms G1311S.
Identifiers: ClinVar variation 2017817 (VCV002017817.5), dbSNP rs2528599847, ClinGen allele CA345891764.